The following is an entry in ClinVar:

NM_006158.5(NEFL):c.1171A>G (p.Lys391Glu)

Gene: NEFL (neurofilament light chain; minus strand). Cytogenetic location: 8p21.2.
Variant type: single nucleotide variant.
Coding change: c.1171A>G on transcript NM_006158.5 (MANE Select); coding-DNA position 1171, A replaced by G.
Protein change: p.Lys391Glu; replaces lysine 391 with glutamic acid.
Molecular consequence: missense variant.
Genome position (GRCh38, 1-based): chr8:24,953,794, T>C on the plus strand (A>G on the coding strand, the complement: NEFL is on the minus strand). VCF-style: chr8-24953794-T-C. GRCh37 (hg19) VCF-style: chr8-24811308-T-C.
Other names: short protein forms K391E.
Identifiers: ClinVar variation 1502076 (VCV001502076.6), dbSNP rs2117251897, ClinGen allele CA370620740.
Genomic context (GRCh38, chr8:24,953,794, plus strand): 5'-CACTGGTTATGCTTCCCACGCTGGTGAAACTGAGTCGGGTCTCCTCGCCTTCCAAGAGTT[T>C]CCTGGGGATGCAGATGCAAGGTGAGGTTAAAAAACACCTGTGTTTCACAACTTGCTCTGA-3'
Protein context (NP_006149.2, residues 381-401): ALDIEIAAYR[Lys391Glu]LLEGEETRLS

ClinVar aggregate classification (germline): Uncertain significance (1 of 4 stars; one submission).

Conditions:
Charcot-Marie-Tooth disease type 2E (CMT2E). Also called: CHARCOT-MARIE-TOOTH DISEASE, AXONAL, TYPE 2E; CHARCOT-MARIE-TOOTH NEUROPATHY, TYPE 2E. Identifiers: Orphanet 99939, MedGen C1843225, MONDO:0011894, OMIM 607684.

Allele frequency attached by ClinVar (database versions not stated): gnomAD exomes below 0.00001.

Submission:

Labcorp Genetics (formerly Invitae), Labcorp
Classification: Uncertain significance for Charcot-Marie-Tooth disease type 2E. Last evaluated: 2021-01-12. Review status: criteria provided, single submitter. Criteria: Invitae Variant Classification Sherloc (09022015). Collection method: clinical testing. Allele origin: germline.
Comment: In summary, the available evidence is currently insufficient to determine the role of this variant in disease. Therefore, it has been classified as a Variant of Uncertain Significance. Experimental studies and prediction algorithms are not available or were not evaluated, and the functional significance of this variant is currently unknown. This variant has not been reported in the literature in individuals with NEFL-related conditions. This variant is not present in population databases (ExAC no frequency). This sequence change replaces lysine with glutamic acid at codon 391 of the NEFL protein (p.Lys391Glu). The lysine residue is highly conserved and there is a small physicochemical difference between lysine and glutamic acid.